The following is an entry in ClinVar:

NM_001793.6(CDH3):c.2407G>A (p.Asp803Asn)

Gene: CDH3 (cadherin 3; plus strand). Cytogenetic location: 16q22.1.
Variant type: single nucleotide variant.
Coding change: c.2407G>A on transcript NM_001793.6 (MANE Select); coding-DNA position 2407, G replaced by A.
Protein change: p.Asp803Asn; replaces aspartic acid 803 with asparagine.
Molecular consequence: missense variant. On other transcripts: 3 prime UTR variant (1).
Genome position (GRCh38, 1-based): chr16:68,698,317, G>A. VCF-style: chr16-68698317-G-A. GRCh37 (hg19) VCF-style: chr16-68732220-G-A.
Other names: c.*150G>A (NM_001317195.3); c.2242G>A, p.Asp748Asn (NM_001317196.2); short protein forms D748N, D803N.
Identifiers: ClinVar variation 1715105 (VCV001715105.5), dbSNP rs766608935, ClinGen allele CA283291448.

ClinVar aggregate classification (germline): Uncertain significance (1 of 4 stars; one submission).

Allele frequency attached by ClinVar (database versions not stated): TOPMed below 0.00001; gnomAD exomes 0.00001.
gnomAD v4.1: 9 of 1,614,218 alleles (0.00056%); highest among the groups gnomAD compares: Non-Finnish European, 0.00076%; no homozygotes.

Submission:

Labcorp Genetics (formerly Invitae), Labcorp
Classification: Uncertain significance. Last evaluated: 2022-08-05. Review status: criteria provided, single submitter. Criteria: Invitae Variant Classification Sherloc (09022015). Collection method: clinical testing. Allele origin: germline.
Comment: In summary, the available evidence is currently insufficient to determine the role of this variant in disease. Therefore, it has been classified as a Variant of Uncertain Significance. Algorithms developed to predict the effect of missense changes on protein structure and function output the following: SIFT: "Not Available"; PolyPhen-2: "Benign"; Align-GVGD: "Not Available". The asparagine amino acid residue is found in multiple mammalian species, which suggests that this missense change does not adversely affect protein function. This variant has not been reported in the literature in individuals affected with CDH3-related conditions. This variant is present in population databases (rs766608935, gnomAD 0.0009%). This sequence change replaces aspartic acid, which is acidic and polar, with asparagine, which is neutral and polar, at codon 803 of the CDH3 protein (p.Asp803Asn).